The following is an entry in ClinVar:

NM_000397.4(CYBB):c.1499A>G (p.Asp500Gly)

Gene: CYBB (cytochrome b-245 beta chain; plus strand). Cytogenetic location: Xp11.4.
Variant type: single nucleotide variant.
Coding change: c.1499A>G on transcript NM_000397.4 (MANE Select); coding-DNA position 1499, A replaced by G.
Protein change: p.Asp500Gly; replaces aspartic acid 500 with glycine.
Molecular consequence: missense variant.
Genome position (GRCh38, 1-based): chrX:37,809,604, A>G. VCF-style: chrX-37809604-A-G. GRCh37 (hg19) VCF-style: chrX-37668857-A-G.
Other names: short protein forms D500G.
Identifiers: ClinVar variation 10931 (VCV000010931.3), dbSNP rs137854593, ClinGen allele CA121250.

ClinVar aggregate classification (germline): Pathogenic. Review status: criteria provided, single submitter (1 of 4 stars). 3 submissions from 3 submitters: Pathogenic (1). 2 of the submissions do not count toward it. Last evaluated 2025-11-28.

Conditions:
Granulomatous disease, chronic, X-linked. Also called: GRANULOMATOUS DISEASE, CHRONIC, X-LINKED, SOMATIC MOSAIC; CYTOCHROME b-NEGATIVE GRANULOMATOUS DISEASE, CHRONIC, X-LINKED. Identifiers: Orphanet 379, MedGen C1844376, MONDO:0010600, OMIM 306400.

Submissions (3):

Labcorp Genetics (formerly Invitae), Labcorp
Classification: Pathogenic for Granulomatous disease, chronic, X-linked. Last evaluated: 2025-11-28. Review status: criteria provided, single submitter. Criteria: Invitae Variant Classification Sherloc (09022015). Collection method: clinical testing. Allele origin: germline.
Comment: This sequence change replaces aspartic acid, which is acidic and polar, with glycine, which is neutral and non-polar, at codon 500 of the CYBB protein (p.Asp500Gly). This variant is not present in population databases (gnomAD no frequency). This missense change has been observed in individual(s) with chronic granulomatous disease (PMID: 29560547). In at least one individual the variant was observed to be de novo. ClinVar contains an entry for this variant (Variation ID: 10931). Invitae Evidence Modeling of protein sequence and biophysical properties (such as structural, functional, and spatial information, amino acid conservation, physicochemical variation, residue mobility, and thermodynamic stability) indicates that this missense variant is expected to disrupt CYBB protein function with a positive predictive value of 80%. This variant disrupts the p.Asp500 amino acid residue in CYBB. Other variant(s) that disrupt this residue have been determined to be pathogenic (PMID: 18546332, 22125116; internal data). This suggests that this residue is clinically significant, and that variants that disrupt this residue are likely to be disease-causing. For these reasons, this variant has been classified as Pathogenic.

OMIM
Classification: Pathogenic for GRANULOMATOUS DISEASE, CHRONIC, X-LINKED. Last evaluated: 1994-05-01. Review status: no assertion criteria provided. Collection method: literature only. Allele origin: germline. Not counted in ClinVar's aggregate classification.

UniProtKB/Swiss-Prot
No classification provided. Review status: no classification provided. Collection method: not provided. Allele origin: not provided. Not counted in ClinVar's aggregate classification.

Literature cited by the submitters: PubMed 29560547 (cited by Labcorp Genetics (formerly Invitae), Labcorp); PubMed 18546332 (cited by Labcorp Genetics (formerly Invitae), Labcorp); PubMed 22125116 (cited by Labcorp Genetics (formerly Invitae), Labcorp); PubMed 8182143 (cited by OMIM).